The following is an entry in ClinVar:

NM_030665.4(RAI1):c.3971G>T (p.Gly1324Val)

Gene: RAI1 (retinoic acid induced 1; plus strand). Cytogenetic location: 17p11.2.
Variant type: single nucleotide variant.
Coding change: c.3971G>T on transcript NM_030665.4 (MANE Select); coding-DNA position 3971, G replaced by T.
Protein change: p.Gly1324Val; replaces glycine 1324 with valine.
Molecular consequence: missense variant.
Genome position (GRCh38, 1-based): chr17:17,796,919, G>T. VCF-style: chr17-17796919-G-T. GRCh37 (hg19) VCF-style: chr17-17700233-G-T.
Other names: short protein forms G1324V.
Identifiers: ClinVar variation 4994063 (VCV004994063.1).

ClinVar aggregate classification (germline): Uncertain significance (1 of 4 stars; one submission).

Conditions:
RAI1-related disorder. Also called: RAI1-related condition.

Submission:

PreventionGenetics, part of Exact Sciences
Classification: Uncertain significance for RAI1-related condition. Last evaluated: 2025-08-24. Review status: criteria provided, single submitter. Criteria: ACMG Guidelines, 2015. Collection method: clinical testing. Allele origin: germline.
Comment: The RAI1 c.3971G>T variant is predicted to result in the amino acid substitution p.Gly1324Val. To our knowledge, this variant has not been reported in the literature or in a large population database (gnomAD), indicating this variant is rare. At this time, the clinical significance of this variant is uncertain due to the absence of conclusive functional and genetic evidence.